The following is an entry in ClinVar:

NM_000466.3(PEX1):c.1229G>A (p.Gly410Glu)

Gene: PEX1 (peroxisomal biogenesis factor 1; minus strand). Cytogenetic location: 7q21.2.
Variant type: single nucleotide variant.
Coding change: c.1229G>A on transcript NM_000466.3 (MANE Select); coding-DNA position 1229, G replaced by A.
Protein change: p.Gly410Glu; replaces glycine 410 with glutamic acid.
Molecular consequence: missense variant.
Genome position (GRCh38, 1-based): chr7:92,517,286, C>T on the plus strand (G>A on the coding strand, the complement: PEX1 is on the minus strand). VCF-style: chr7-92517286-C-T. GRCh37 (hg19) VCF-style: chr7-92146600-C-T.
Other names: c.1229G>A, p.Gly410Glu (NM_001282677.2); c.605G>A, p.Gly202Glu (NM_001282678.2); short protein forms G202E, G410E.
Identifiers: ClinVar variation 1427649 (VCV001427649.6), dbSNP rs2116242366, ClinGen allele CA368196974.

ClinVar aggregate classification (germline): Uncertain significance (1 of 4 stars; one submission).

Conditions:
Zellweger spectrum disorders (ZS). Also called: Zellweger Spectrum Disorder; Zellweger Spectrum; Zellweger syndrome; Zellweger Spectrum Disorder (ZSD). Identifiers: Orphanet 912, MedGen C0043459, MONDO:0019609.

Allele frequency attached by ClinVar (database versions not stated): gnomAD exomes below 0.00001.
gnomAD v4.1: 1 of 1,613,478 alleles (0.000062%); highest among the groups gnomAD compares: Non-Finnish European, 0.000085%; no homozygotes.

Submission:

Labcorp Genetics (formerly Invitae), Labcorp
Classification: Uncertain significance for Zellweger spectrum disorders. Last evaluated: 2022-07-12. Review status: criteria provided, single submitter. Criteria: Invitae Variant Classification Sherloc (09022015). Collection method: clinical testing. Allele origin: germline.
Comment: This variant has not been reported in the literature in individuals affected with PEX1-related conditions. This variant is not present in population databases (gnomAD no frequency). This sequence change replaces glycine, which is neutral and non-polar, with glutamic acid, which is acidic and polar, at codon 410 of the PEX1 protein (p.Gly410Glu). ClinVar contains an entry for this variant (Variation ID: 1427649). In summary, the available evidence is currently insufficient to determine the role of this variant in disease. Therefore, it has been classified as a Variant of Uncertain Significance. Algorithms developed to predict the effect of missense changes on protein structure and function are either unavailable or do not agree on the potential impact of this missense change (SIFT: "Tolerated"; PolyPhen-2: "Probably Damaging"; Align-GVGD: "Class C0").